The following is an entry in ClinVar:

ClinVar aggregate classification (germline): Uncertain significance (1 of 4 stars; one submission).

Submission:

GeneDx
Classification: Uncertain significance. Last evaluated: 2021-04-16. Review status: criteria provided, single submitter. Criteria: GeneDx Variant Classification Process June 2021. Collection method: clinical testing. Allele origin: germline. Affected: yes.
Comment: Has not been previously published as pathogenic or benign to our knowledge; Not observed in large population cohorts (Lek et al., 2016); Canonical splice site variant predicted to result in a null allele in a gene for which loss-of-function is a known mechanism of disease

NM_033118.4(MYLK2):c.1295+1G>A

Gene: MYLK2 (myosin light chain kinase 2; plus strand). Cytogenetic location: 20q11.21.
Variant type: single nucleotide variant.
Coding change: c.1295+1G>A on transcript NM_033118.4 (MANE Select); the canonical splice donor site of the intron after coding-DNA position 1295, G replaced by A.
Molecular consequence: splice donor variant.
Genome position (GRCh38, 1-based): chr20:31,830,890, G>A. VCF-style: chr20-31830890-G-A. GRCh37 (hg19) VCF-style: chr20-30418693-G-A.
Identifiers: ClinVar variation 1318487 (VCV001318487.2), dbSNP rs2123139586, ClinGen allele CA408527554.
Genomic context (GRCh38, chr20:31,830,890, plus strand): 5'-CCTGTGTGTCAACACCACCGGGCATTTGGTGAAGATCATTGACTTTGGCCTGGCACGGAG[G>A]TACCACCTGGGTGGGTGGGGAGGGCAAGACAAGCCTCTGAGTTGGCAGGGGACAGGGGTG-3'